The following is an entry in ClinVar:

NM_201599.3(ZMYM3):c.302G>A (p.Gly101Glu)

Gene: ZMYM3 (zinc finger MYM-type containing 3; minus strand). Cytogenetic location: Xq13.1.
Variant type: single nucleotide variant.
Coding change: c.302G>A on transcript NM_201599.3 (MANE Select); coding-DNA position 302, G replaced by A.
Protein change: p.Gly101Glu; replaces glycine 101 with glutamic acid.
Molecular consequence: missense variant.
Genome position (GRCh38, 1-based): chrX:71,252,954, C>T on the plus strand (G>A on the coding strand, the complement: ZMYM3 is on the minus strand). VCF-style: chrX-71252954-C-T. GRCh37 (hg19) VCF-style: chrX-70472804-C-T.
Other names: c.302G>A, p.Gly101Glu (NM_001171162.1, NM_001171163.1, NM_005096.3); short protein forms G101E.
Identifiers: ClinVar variation 4687568 (VCV004687568.2).
Genomic context (GRCh38, chrX:71,252,954, plus strand): 5'-GGGGTCTGGCCCCCTGGTCCAGGCTCTAGGGTCTGATCTCCTGCATCCCATGCCAGGGTT[C>T]CCTCAGGACCGTGGTCCACCTCCGGGGGAGAGGGGGCTTTATAGAGCAGCCCCCCCAGCC-3'
Protein context (NP_963893.1, residues 91-111): SPPEVDHGPE[Gly101Glu]TLAWDAGDQT

ClinVar aggregate classification (germline): Uncertain significance (1 of 4 stars; one submission).

gnomAD v4.1: 1 of 1,211,636 alleles (0.000083%); highest among the groups gnomAD compares: Non-Finnish European, 0.00011%; no homozygotes.

Submission:

Women's Health and Genetics/Laboratory Corporation of America, LabCorp
Classification: Uncertain significance. Last evaluated: 2026-05-29. Review status: criteria provided, single submitter. Criteria: LabCorp Variant Classification Summary - May 2015. Collection method: clinical testing. Allele origin: germline.
Comment: Variant summary: ZMYM3 c.302G>A (p.Gly101Glu) results in a non-conservative amino acid change in the encoded protein sequence. Algorithms developed to predict the effect of missense changes on protein structure and function are either unavailable or do not agree on the potential impact of this missense change. The variant allele was found at a frequency of 5.5e-06 in 181650 control chromosomes. The available data on variant occurrences in the general population are insufficient to allow any conclusion about variant significance. To our knowledge, no occurrence of c.302G>A in individuals affected with ZMYM3-related conditions and no experimental evidence demonstrating its impact on protein function have been reported. ClinVar contains an entry for this variant (Variation ID: 4687568). Based on the evidence outlined above, the variant was classified as uncertain significance.